The following is an entry in ClinVar:

ClinVar aggregate classification (germline): Uncertain significance (1 of 4 stars; one submission).

Submission:

GeneDx
Classification: Uncertain significance. Last evaluated: 2020-06-29. Review status: criteria provided, single submitter. Criteria: GeneDx Variant Classification Process June 2021. Collection method: clinical testing. Allele origin: germline. Affected: yes.
Comment: Not observed in large population cohorts (Lek et al., 2016); In silico analysis, which includes protein predictors and evolutionary conservation, supports a deleterious effect; Has not been previously published as pathogenic or benign to our knowledge

NM_006015.6(ARID1A):c.4660C>T (p.Pro1554Ser)

Gene: ARID1A (AT-rich interaction domain 1A; plus strand). Cytogenetic location: 1p36.11.
Variant type: single nucleotide variant.
Coding change: c.4660C>T on transcript NM_006015.6 (MANE Select); coding-DNA position 4660, C replaced by T.
Protein change: p.Pro1554Ser; replaces proline 1554 with serine.
Molecular consequence: missense variant. On other transcripts: intron variant (1).
Genome position (GRCh38, 1-based): chr1:26,774,887, C>T. VCF-style: chr1-26774887-C-T. GRCh37 (hg19) VCF-style: chr1-27101378-C-T.
Other names: c.4102-93C>T (NM_139135.4); short protein forms P1554S.
Identifiers: ClinVar variation 1304059 (VCV001304059.2), dbSNP rs2124121303, ClinGen allele CA339177445.